The following is an entry in ClinVar:

NM_000111.3(SLC26A3):c.958G>A (p.Asp320Asn)

Gene: SLC26A3 (solute carrier family 26 member 3; minus strand). Cytogenetic location: 7q22.3.
Variant type: single nucleotide variant.
Coding change: c.958G>A on transcript NM_000111.3 (MANE Select); coding-DNA position 958, G replaced by A.
Protein change: p.Asp320Asn; replaces aspartic acid 320 with asparagine.
Molecular consequence: missense variant.
Genome position (GRCh38, 1-based): chr7:107,786,840, C>T on the plus strand (G>A on the coding strand, the complement: SLC26A3 is on the minus strand). VCF-style: chr7-107786840-C-T. GRCh37 (hg19) VCF-style: chr7-107427285-C-T.
Other names: short protein forms D320N.
Identifiers: ClinVar variation 2076040 (VCV002076040.4), dbSNP rs1467858471, ClinGen allele CA368852419.

ClinVar aggregate classification (germline): Uncertain significance. Review status: criteria provided, multiple submitters, no conflicts (2 of 4 stars). 2 submissions from 2 submitters: Uncertain significance (2). Last evaluated 2025-12-16.

Conditions:
Inborn genetic diseases. Identifiers: MedGen C0950123, MeSH D030342.

Allele frequency attached by ClinVar (database versions not stated): gnomAD exomes below 0.00001; gnomAD 0.00001; TOPMed 0.00005.
gnomAD v4.1: 5 of 1,613,652 alleles (0.00031%); highest among the groups gnomAD compares: East Asian, 0.0045%; no homozygotes.

Submissions (2):

Ambry Genetics
Classification: Uncertain significance for Inborn genetic diseases. Last evaluated: 2025-12-16. Review status: criteria provided, single submitter. Criteria: Ambry Variant Classification Scheme 2023. Collection method: clinical testing. Allele origin: germline.

Labcorp Genetics (formerly Invitae), Labcorp
Classification: Uncertain significance. Last evaluated: 2025-09-28. Review status: criteria provided, single submitter. Criteria: Invitae Variant Classification Sherloc (09022015). Collection method: clinical testing. Allele origin: germline.
Comment: This sequence change replaces aspartic acid, which is acidic and polar, with asparagine, which is neutral and polar, at codon 320 of the SLC26A3 protein (p.Asp320Asn). This variant is present in population databases (no rsID available, gnomAD 0.01%). This variant has not been reported in the literature in individuals affected with SLC26A3-related conditions. ClinVar contains an entry for this variant (Variation ID: 2076040). Invitae Evidence Modeling of protein sequence and biophysical properties (such as structural, functional, and spatial information, amino acid conservation, physicochemical variation, residue mobility, and thermodynamic stability) indicates that this missense variant is not expected to disrupt SLC26A3 protein function with a negative predictive value of 80%. In summary, the available evidence is currently insufficient to determine the role of this variant in disease. Therefore, it has been classified as a Variant of Uncertain Significance.